The following is an entry in ClinVar:

ClinVar aggregate classification (germline): Pathogenic. Review status: criteria provided, multiple submitters, no conflicts (2 of 4 stars). 3 submissions from 3 submitters: Pathogenic (3). Last evaluated 2026-01-21.

Conditions:
Alstrom syndrome (ALMS). Identifiers: Orphanet 64, MedGen C0268425, MONDO:0008763, OMIM 203800.

Submissions (3):

Labcorp Genetics (formerly Invitae), Labcorp
Classification: Pathogenic for Alstrom syndrome. Last evaluated: 2026-01-21. Review status: criteria provided, single submitter. Criteria: Invitae Variant Classification Sherloc (09022015). Collection method: clinical testing. Allele origin: germline.
Comment: This sequence change creates a premature translational stop signal (p.Lys1245Alafs*12) in the ALMS1 gene. It is expected to result in an absent or disrupted protein product. Loss-of-function variants in ALMS1 are known to be pathogenic (PMID: 17594715). This variant is not present in population databases (gnomAD no frequency). This premature translational stop signal has been observed in individual(s) with Alström syndrome (PMID: 39264219). ClinVar contains an entry for this variant (Variation ID: 2441969). For these reasons, this variant has been classified as Pathogenic.

Women's Health and Genetics/Laboratory Corporation of America, LabCorp
Classification: Pathogenic for Alstrom syndrome. Last evaluated: 2023-06-19. Review status: criteria provided, single submitter. Criteria: LabCorp Variant Classification Summary - May 2015. Collection method: clinical testing. Allele origin: germline.
Comment: Variant summary: ALMS1 c.3726_3727delGA/p.Lys1243AlafsX12 (also known as c.3732_3733delGA) results in a premature termination codon, predicted to cause a truncation of the encoded protein or absence of the protein due to nonsense mediated decay, which are commonly known mechanisms for disease. The variant was absent in 248982 control chromosomes. To our knowledge, no occurrence of c.3726_3727delGA in individuals affected with Alstrom Syndrome With Dilated Cardiomyopathy and no experimental evidence demonstrating its impact on protein function have been reported. One ClinVar submitter has cited clinical-significance assessments for this variant to ClinVar after 2014 and has classified the variant as pathogenic. Based on the evidence outlined above, the variant was classified as pathogenic.

Baylor Genetics
Classification: Pathogenic for Alstrom syndrome. Last evaluated: 2021-06-01. Review status: criteria provided, single submitter. Criteria: ACMG Guidelines, 2015. Collection method: clinical testing. Allele origin: unknown.

Literature cited by the submitters: PubMed 17594715 (cited by Labcorp Genetics (formerly Invitae), Labcorp); PubMed 39264219 (cited by Labcorp Genetics (formerly Invitae), Labcorp).

NM_001378454.1(ALMS1):c.3729_3730del (p.Lys1244fs)

Gene: ALMS1 (ALMS1 centrosome and basal body associated protein; plus strand). Cytogenetic location: 2p13.1.
Variant type: Microsatellite.
Coding change: c.3729_3730del on transcript NM_001378454.1 (MANE Select); coding-DNA positions 3729 to 3730, 2 bases deleted (GA; older notation c.3729_3730delGA).
Protein change: p.Lys1244fs; shifts the reading frame from lysine 1244.
Molecular consequence: frameshift variant.
Genome position (GRCh38, 1-based): chr2:73,450,256-73,450,257, GA deleted; deleting any 2 consecutive bases within chr2:73,450,253-73,450,257 gives the same sequence; the c. name uses the placement nearest the transcript's 3' end. VCF-style (leftmost placement, unchanged base first): chr2-73450252-CAG-C. GRCh37 (hg19) VCF-style: chr2-73677379-CAG-C.
Other names: c.3732_3733del, p.Lys1245fs (NM_015120.4); c.3732_3733delGA (NM_015120.4); short protein forms K1244fs, K1245fs.
Identifiers: ClinVar variation 2441969 (VCV002441969.5), dbSNP rs2466099194, ClinGen allele CA2580611658.